The following is an entry in ClinVar:

ClinVar aggregate classification (germline): Uncertain significance. Review status: criteria provided, multiple submitters, no conflicts (2 of 4 stars). 2 submissions from 2 submitters: Uncertain significance (2). Last evaluated 2022-12-02.

Conditions:
Emery-Dreifuss muscular dystrophy 5, autosomal dominant (EDMD5). Also called: EMERY-DREIFUSS MUSCULAR DYSTROPHY 5. Identifiers: Orphanet 261, MedGen C2751805, MONDO:0013072, OMIM 612999.

Allele frequency attached by ClinVar (database versions not stated): gnomAD exomes below 0.00001; ExAC 0.00001; gnomAD 0.00001; 1000 Genomes Project 30x 0.00016; 1000 Genomes Project 0.00020.
gnomAD v4.1: 5 of 1,614,198 alleles (0.00031%); highest among the groups gnomAD compares: South Asian, 0.0044%; no homozygotes.

Submissions (2):

Labcorp Genetics (formerly Invitae), Labcorp
Classification: Uncertain significance for Emery-Dreifuss muscular dystrophy 5, autosomal dominant. Last evaluated: 2022-12-02. Review status: criteria provided, single submitter. Criteria: Invitae Variant Classification Sherloc (09022015). Collection method: clinical testing. Allele origin: germline.
Comment: In summary, the available evidence is currently insufficient to determine the role of this variant in disease. Therefore, it has been classified as a Variant of Uncertain Significance. Algorithms developed to predict the effect of missense changes on protein structure and function (SIFT, PolyPhen-2, Align-GVGD) all suggest that this variant is likely to be tolerated. ClinVar contains an entry for this variant (Variation ID: 644345). This variant has not been reported in the literature in individuals affected with SYNE2-related conditions. This variant is present in population databases (rs531451940, gnomAD 0.003%). This sequence change replaces cysteine, which is neutral and slightly polar, with glycine, which is neutral and non-polar, at codon 3204 of the SYNE2 protein (p.Cys3204Gly).

Baylor Genetics
Classification: Uncertain significance for Emery-Dreifuss muscular dystrophy 5, autosomal dominant. Last evaluated: 2019-07-14. Review status: criteria provided, single submitter. Criteria: ACMG Guidelines, 2015. Collection method: clinical testing. Allele origin: unknown. Affected: yes.
Comment: This variant was determined to be of uncertain significance according to ACMG Guidelines, 2015 [PMID:25741868].

NM_182914.3(SYNE2):c.9610T>G (p.Cys3204Gly)

Gene: SYNE2 (spectrin repeat containing nuclear envelope protein 2; plus strand). Cytogenetic location: 14q23.2.
Variant type: single nucleotide variant.
Coding change: c.9610T>G on transcript NM_182914.3 (MANE Select); coding-DNA position 9610, T replaced by G.
Protein change: p.Cys3204Gly; replaces cysteine 3204 with glycine.
Molecular consequence: missense variant.
Genome position (GRCh38, 1-based): chr14:64,053,523, T>G. VCF-style: chr14-64053523-T-G. GRCh37 (hg19) VCF-style: chr14-64520241-T-G.
Other names: c.9610T>G, p.Cys3204Gly (NM_015180.6); short protein forms C3204G.
Identifiers: ClinVar variation 644345 (VCV000644345.12), dbSNP rs531451940, ClinGen allele CA7221295.